The following is an entry in ClinVar:

NM_001130698.2(TRPC3):c.1849A>G (p.Ile617Val)

Gene: TRPC3 (transient receptor potential cation channel subfamily C member 3; minus strand). Cytogenetic location: 4q27.
Variant type: single nucleotide variant.
Coding change: c.1849A>G on transcript NM_001130698.2 (MANE Select); coding-DNA position 1849, A replaced by G.
Protein change: p.Ile617Val; replaces isoleucine 617 with valine.
Molecular consequence: missense variant.
Genome position (GRCh38, 1-based): chr4:121,907,511, T>C on the plus strand (A>G on the coding strand, the complement: TRPC3 is on the minus strand). VCF-style: chr4-121907511-T-C. GRCh37 (hg19) VCF-style: chr4-122828666-T-C.
Other names: c.1849A>G, p.Ile617Val (NM_001366479.2); c.1630A>G, p.Ile544Val (NM_003305.2); short protein forms I544V, I617V.
Identifiers: ClinVar variation 2188688 (VCV002188688.4), dbSNP rs750951273, ClinGen allele CA3064855.

ClinVar aggregate classification (germline): Uncertain significance (1 of 4 stars; one submission).

Allele frequency attached by ClinVar (database versions not stated): TOPMed below 0.00001; ExAC 0.00001; gnomAD exomes 0.00001.
gnomAD v4.1: 5 of 1,613,216 alleles (0.00031%); highest among the groups gnomAD compares: Admixed American, 0.0033%; no homozygotes.

Submission:

Labcorp Genetics (formerly Invitae), Labcorp
Classification: Uncertain significance. Last evaluated: 2022-08-22. Review status: criteria provided, single submitter. Criteria: Invitae Variant Classification Sherloc (09022015). Collection method: clinical testing. Allele origin: germline.
Comment: In summary, the available evidence is currently insufficient to determine the role of this variant in disease. Therefore, it has been classified as a Variant of Uncertain Significance. Algorithms developed to predict the effect of missense changes on protein structure and function are either unavailable or do not agree on the potential impact of this missense change (SIFT: "Deleterious"; PolyPhen-2: "Benign"; Align-GVGD: "Class C25"). This variant has not been reported in the literature in individuals affected with TRPC3-related conditions. This variant is present in population databases (rs750951273, gnomAD 0.007%). This sequence change replaces isoleucine, which is neutral and non-polar, with valine, which is neutral and non-polar, at codon 617 of the TRPC3 protein (p.Ile617Val).